The following is an entry in ClinVar:

ClinVar aggregate classification (germline): Likely pathogenic (1 of 4 stars; one submission).

Conditions:
Hereditary spastic paraplegia 39 (SPG39). Also called: SPASTIC PARAPLEGIA 39, AUTOSOMAL RECESSIVE; Spastic Paraplegia Type 39 (SPG39). Identifiers: Orphanet 139480, MedGen C2677586, MONDO:0012787, OMIM 612020.

gnomAD v4.1: 11 of 1,609,078 alleles (0.00068%); highest among the groups gnomAD compares: Non-Finnish European, 0.00094%; no homozygotes.

Submission:

Labcorp Genetics (formerly Invitae), Labcorp
Classification: Likely pathogenic for Hereditary spastic paraplegia 39. Last evaluated: 2025-08-14. Review status: criteria provided, single submitter. Criteria: Invitae Variant Classification Sherloc (09022015). Collection method: clinical testing. Allele origin: germline.
Comment: This sequence change affects an acceptor splice site in intron 4 of the PNPLA6 gene. It is expected to disrupt RNA splicing. Variants that disrupt the donor or acceptor splice site typically lead to a loss of protein function (PMID: 16199547), and loss-of-function variants in PNPLA6 are known to be pathogenic (PMID: 24355708). This variant is present in population databases (no rsID available, gnomAD 0.0009%). This variant has not been reported in the literature in individuals affected with PNPLA6-related conditions. ClinVar contains an entry for this variant (Variation ID: 3614577). Algorithms developed to predict the effect of sequence changes on RNA splicing suggest that this variant may disrupt the consensus splice site. In summary, the currently available evidence indicates that the variant is pathogenic, but additional data are needed to prove that conclusively. Therefore, this variant has been classified as Likely Pathogenic.

Literature cited by the submitters: PubMed 16199547; PubMed 24355708.

NM_001166114.2(PNPLA6):c.233-2A>G

Gene: PNPLA6 (patatin like domain 6, lysophospholipase; plus strand). Cytogenetic location: 19p13.2.
Variant type: single nucleotide variant.
Coding change: c.233-2A>G on transcript NM_001166114.2 (MANE Select); the canonical splice acceptor site of the intron before coding-DNA position 233, A replaced by G.
Molecular consequence: splice acceptor variant.
Genome position (GRCh38, 1-based): chr19:7,536,189, A>G. VCF-style: chr19-7536189-A-G. GRCh37 (hg19) VCF-style: chr19-7601075-A-G.
Other names: c.116-2A>G (NM_006702.5, NM_001166112.2, NM_001166113.1); c.260-2A>G (NM_001166111.2).
Identifiers: ClinVar variation 3614577 (VCV003614577.2).